The following is an entry in ClinVar:

NM_000368.5(TSC1):c.2016G>A (p.Lys672=)

Gene: TSC1 (TSC complex subunit 1; minus strand). Cytogenetic location: 9q34.13.
Variant type: single nucleotide variant.
Coding change: c.2016G>A on transcript NM_000368.5 (MANE Select); coding-DNA position 2016, G replaced by A.
Protein change: p.Lys672=; no amino-acid change (lysine 672 retained).
Molecular consequence: synonymous variant.
Genome position (GRCh38, 1-based): chr9:132,904,436, C>T on the plus strand (G>A on the coding strand, the complement: TSC1 is on the minus strand). VCF-style: chr9-132904436-C-T. GRCh37 (hg19) VCF-style: chr9-135779823-C-T.
Other names: c.2016G>A (NM_000368.4); c.2013G>A, p.Lys671= (NM_001162426.2); c.1863G>A, p.Lys621= (NM_001162427.2); c.1653G>A, p.Lys551= (NM_001362177.2).
Identifiers: ClinVar variation 1079628 (VCV001079628.19), dbSNP rs748487106, ClinGen allele CA467590815.

ClinVar aggregate classification (germline): Likely benign. Review status: criteria provided, multiple submitters, no conflicts (2 of 4 stars). 4 submissions from 4 submitters: Likely benign (4). Last evaluated 2025-07-01.

Conditions:
Tuberous sclerosis 1 (TSC1). Identifiers: Orphanet 805, MedGen C1854465, MONDO:0008612, OMIM 191100.
Hereditary cancer-predisposing syndrome. Also called: Neoplastic Syndromes, Hereditary; Tumor predisposition; Hereditary neoplastic syndrome; Hereditary Cancer Syndrome. Identifiers: Orphanet 140162, MedGen C0027672, MeSH D009386, MONDO:0015356.

gnomAD v4.1: 2 of 1,614,080 alleles (0.00012%); highest among the groups gnomAD compares: Non-Finnish European, 0.00017%; no homozygotes.

Submissions (4):

CeGaT Center for Human Genetics Tuebingen
Classification: Likely benign. Last evaluated: 2025-07-01. Review status: criteria provided, single submitter. Criteria: CeGaT Center For Human Genetics Tuebingen Variant Classification Criteria Version 2. Collection method: clinical testing. Allele origin: germline. Affected: yes. Observed: 1 variant allele.
Comment: TSC1: BP4, BP7

Labcorp Genetics (formerly Invitae), Labcorp
Classification: Likely benign for Tuberous sclerosis 1. Last evaluated: 2024-11-28. Review status: criteria provided, single submitter. Criteria: Invitae Variant Classification Sherloc (09022015). Collection method: clinical testing. Allele origin: germline.

Ambry Genetics
Classification: Likely benign for Hereditary cancer-predisposing syndrome. Last evaluated: 2023-08-28. Review status: criteria provided, single submitter. Criteria: Ambry Variant Classification Scheme 2023. Collection method: clinical testing. Allele origin: germline.

Blueprint Genetics
Classification: Likely benign. Last evaluated: 2022-08-08. Review status: criteria provided, single submitter. Criteria: ACMG Guidelines, 2015. Collection method: clinical testing. Allele origin: germline.